The following is an entry in ClinVar:

NM_002691.4(POLD1):c.1243-14C>T

Gene: POLD1 (DNA polymerase delta 1, catalytic subunit; plus strand). Cytogenetic location: 19q13.33.
Variant type: single nucleotide variant.
Coding change: c.1243-14C>T on transcript NM_002691.4 (MANE Select); 14 bases into the intron before coding-DNA position 1243, C replaced by T.
Molecular consequence: intron variant.
Genome position (GRCh38, 1-based): chr19:50,406,168, C>T. VCF-style: chr19-50406168-C-T. GRCh37 (hg19) VCF-style: chr19-50909425-C-T.
Other names: c.1243-14C>T (NM_001256849.1, NM_001308632.1).
Identifiers: ClinVar variation 2195981 (VCV002195981.5), dbSNP rs3218762, ClinGen allele CA883189603.

ClinVar aggregate classification (germline): Likely benign. Review status: criteria provided, multiple submitters, no conflicts (2 of 4 stars). 2 submissions from 2 submitters: Likely benign (2). Last evaluated 2025-02-05.

Conditions:
POLD1-related polyposis and colorectal cancer syndrome (CRCS10). Also called: Colorectal cancer, susceptibility to, 10; Colorectal cancer 10; COLORECTAL CANCER, SUSCEPTIBILITY TO, ON CHROMOSOME 19q. Identifiers: Orphanet 220460, MedGen C2675481, MONDO:0012953, OMIM 612591.

gnomAD v4.1: 1 of 1,609,640 alleles (0.000062%); highest among the groups gnomAD compares: Non-Finnish European, 0.000085%; no homozygotes.

Submissions (2):

Myriad Genetics, Inc.
Classification: Likely benign for POLD1-related polyposis and colorectal cancer syndrome. Last evaluated: 2025-02-05. Review status: criteria provided, single submitter. Criteria: Myriad Autosomal Dominant, Autosomal Recessive and X-Linked Classification Criteria (2023). Collection method: clinical testing. Allele origin: unknown.
Comment: This variant is considered likely benign. This variant is intronic and is not expected to impact mRNA splicing.

Labcorp Genetics (formerly Invitae), Labcorp
Classification: Likely benign for POLD1-related polyposis and colorectal cancer syndrome. Last evaluated: 2023-08-10. Review status: criteria provided, single submitter. Criteria: Invitae Variant Classification Sherloc (09022015). Collection method: clinical testing. Allele origin: germline.